The following is an entry in ClinVar:

ClinVar aggregate classification (germline): Conflicting classifications of pathogenicity. Review status: criteria provided, conflicting classifications (1 of 4 stars). 18 submissions from 13 submitters: Uncertain significance (5); Benign (3); Likely benign (7). 3 of the submissions do not count toward it. Last evaluated 2026-07-01.

Conditions:
TTN-related disorder. Also called: TTN-related disorders; TTN-related condition; TTN-related disease.
Cardiovascular phenotype. Identifiers: MedGen CN230736.
Inborn genetic diseases. Identifiers: MedGen C0950123, MeSH D030342.
Autosomal recessive limb-girdle muscular dystrophy type 2J (LGMDR10). Also called: Limb-girdle muscular dystrophy, type 2J; MUSCULAR DYSTROPHY, LIMB-GIRDLE, AUTOSOMAL RECESSIVE 10. Identifiers: Orphanet 140922, MedGen C1837342, MONDO:0012127, OMIM 608807.
Dilated cardiomyopathy 1G (CMD1G). Identifiers: Orphanet 154, MedGen C1858763, MONDO:0011400, OMIM 604145.
Cardiomyopathy (CMYO). Also called: Cardiomyopathies. Identifiers: Orphanet 167848, MedGen C0878544, MONDO:0004994, HP:0001638. Inheritance: Various modes of inheritance.
Myopathy, myofibrillar, 9, with early respiratory failure (MFM9). Also called: Hereditary myopathy with early respiratory failure; EDSTROM MYOPATHY; MYOPATHY, PROXIMAL, WITH EARLY RESPIRATORY MUSCLE INVOLVEMENT; Myopathy, distal, with early respiratory failure, autosomal dominant. Identifiers: Orphanet 178464, Orphanet 34521, MedGen C1863599, MONDO:0011362, OMIM 603689.
Early-onset myopathy with fatal cardiomyopathy (CMYO5). Also called: Salih Myopathy; CONGENITAL MYOPATHY 5 WITH CARDIOMYOPATHY. Identifiers: Orphanet 289377, MedGen C2673677, MONDO:0012714, OMIM 611705. Disease mechanism: loss of function.
Tibial muscular dystrophy (TMD). Also called: Tibial muscular dystrophy, tardive; UDD MYOPATHY; Udd Distal Myopathy – Tibial Muscular Dystrophy. Identifiers: Orphanet 609, MedGen C1838244, MONDO:0010870, OMIM 600334.

Allele frequency attached by ClinVar (database versions not stated): ESP Exome Variant Server 0.00017; gnomAD 0.00025 and 0.00027; gnomAD exomes 0.00033 and 0.00039; ExAC 0.00038; TOPMed 0.00043.
gnomAD v4.1: 515 of 1,608,710 alleles (0.032%); highest among the groups gnomAD compares: Admixed American, 0.14%; no homozygotes.

Submissions (18):

CeGaT Center for Human Genetics Tuebingen
Classification: Likely benign. Last evaluated: 2026-07-01. Review status: criteria provided, single submitter. Criteria: CeGaT Center For Human Genetics Tuebingen Variant Classification Criteria Version 2. Collection method: clinical testing. Allele origin: germline. Affected: yes. Observed: 3 variant alleles.
Comment: TTN: BP4

Labcorp Genetics (formerly Invitae), Labcorp
Classification: Likely benign for Dilated cardiomyopathy 1G; Autosomal recessive limb-girdle muscular dystrophy type 2J. Last evaluated: 2026-02-03. Review status: criteria provided, single submitter. Criteria: Invitae Variant Classification Sherloc (09022015). Collection method: clinical testing. Allele origin: germline.

ARUP Laboratories, Molecular Genetics and Genomics, ARUP Laboratories
Classification: Uncertain significance. Last evaluated: 2024-08-12. Review status: criteria provided, single submitter. Criteria: ARUP Molecular Germline Variant Investigation Process 2024. Collection method: clinical testing. Allele origin: germline.
Comment: The TTN c.57646A>G; p.Ile19216Val variant (rs374058726; ClinVar Variation ID: 202730) is rare in the general population (<0.2% allele frequency in the Genome Aggregation Database) and has not been reported in the medical literature in association with dilated cardiomyopathy (DCM) or other TTN-related disease. The clinical relevance of rare missense variants in this gene, which are identified on average once per individual sequenced in affected populations (Herman 2012), is not well understood. Yet, evidence suggests that the vast majority of such missense variants do not contribute to the clinical outcome of DCM (Begay 2015). Thus, the clinical significance of the p.Ile19216Val variant cannot be determined with certainty. References: Begay RL et al. Role of Titin Missense Variants in Dilated Cardiomyopathy. J Am Heart Assoc. 2015 Nov 13;4(11). PMID: 26567375. Herman DS et al. Truncations of titin causing dilated cardiomyopathy. N Engl J Med. 2012 Feb 16;366(7):619-28. PMID: 22335739. Linke WA and Hamdani N. Gigantic business: titin properties and function through thick and thin. Circ Res 2014; 114(6): 1052-1068. PMID: 24625729.

Blueprint Genetics
Classification: Likely benign. Last evaluated: 2023-12-11. Review status: criteria provided, single submitter. Criteria: ACMG Guidelines, 2015. Collection method: clinical testing. Allele origin: germline.

Women's Health and Genetics/Laboratory Corporation of America, LabCorp
Classification: Likely benign. Last evaluated: 2023-03-08. Review status: criteria provided, single submitter. Criteria: LabCorp Variant Classification Summary - May 2015. Collection method: clinical testing. Allele origin: germline.
Comment: Variant summary: TTN c.49942A>G (p.Ile16648Val) results in a conservative amino acid change located in the A-band region of the encoded protein sequence. Three of four in-silico tools predict a benign effect of the variant on protein function. The variant allele was found at a frequency of 0.00039 in 240038 control chromosomes, predominantly at a frequency of 0.0017 within the Latino subpopulation in the gnomAD database. The observed variant frequency within Latino control individuals in the gnomAD database is approximately 4-fold of the estimated maximal expected allele frequency for a pathogenic variant in TTN causing Dilated Cardiomyopathy phenotype (0.00039), strongly suggesting that the variant is a benign polymorphism found primarily in populations of Latino origin. c.49942A>G has been reported in the literature in association with Arrhythmogenic Right Ventricular Cardiomyopathy, Hypertrophic Cardiomyopathy and Sudden Unexplained Death (Campuzano_2015). These report(s) do not provide unequivocal conclusions about association of the variant with Dilated Cardiomyopathy. To our knowledge, no experimental evidence demonstrating an impact on protein function has been reported. Five ClinVar submitters (evaluation after 2014) cite the variant as benign/likely benign and two ClinVar submitters (evaluation after 2014) cite it as uncertain significance. Based on the evidence outlined above, the variant was classified as likely benign.

GeneDx
Classification: Likely benign. Last evaluated: 2021-01-19. Review status: criteria provided, single submitter. Criteria: GeneDx Variant Classification Process June 2021. Collection method: clinical testing. Allele origin: germline. Affected: yes.

Ambry Genetics
Classification: Likely benign for Inborn genetic diseases. Last evaluated: 2019-09-12. Review status: criteria provided, single submitter. Criteria: Ambry Autosomal Dominant and X-Linked criteria (3/2017). Collection method: clinical testing. Allele origin: germline. Observed: 1 variant allele.
Comment: In silico models in agreement (benign);Subpopulation frequency in support of benign classification

Ambry Genetics
Classification: Likely benign for Cardiovascular phenotype. Last evaluated: 2019-09-12. Review status: criteria provided, single submitter. Criteria: Ambry Variant Classification Scheme 2023. Collection method: clinical testing. Allele origin: germline.

CHEO Genetics Diagnostic Laboratory, Children's Hospital of Eastern Ontario
Classification: Benign for Cardiomyopathy. Last evaluated: 2018-03-13. Review status: criteria provided, single submitter. Criteria: ACMG Guidelines, 2015. Collection method: clinical testing. Allele origin: germline.

Illumina Laboratory Services, Illumina
Classification: Benign for Myopathy, myofibrillar, 9, with early respiratory failure. Last evaluated: 2018-01-13. Review status: criteria provided, single submitter. Criteria: ICSL Variant Classification Criteria 13 December 2019. Collection method: clinical testing. Allele origin: germline.
Comment: This variant was observed in the ICSL laboratory as part of a predisposition screen in an ostensibly healthy population. It had not been previously curated by ICSL or reported in the Human Gene Mutation Database (HGMD: prior to June 1st, 2018), and was therefore a candidate for classification through an automated scoring system. Utilizing variant allele frequency, disease prevalence and penetrance estimates, and inheritance mode, an automated score was calculated to assess if this variant is too frequent to cause the disease. Based on the score and internal cut-off values, a variant classified as benign is not then subjected to further curation. The score for this variant resulted in a classification of benign for this disease.

Illumina Laboratory Services, Illumina
Classification: Benign for Tibial muscular dystrophy. Last evaluated: 2018-01-13. Review status: criteria provided, single submitter. Criteria: ICSL Variant Classification Criteria 13 December 2019. Collection method: clinical testing. Allele origin: germline.
Comment: the same text as in the submission from Illumina Laboratory Services, Illumina above.

Illumina Laboratory Services, Illumina
Classification: Uncertain significance for Dilated cardiomyopathy 1G. Last evaluated: 2018-01-13. Review status: criteria provided, single submitter. Criteria: ICSL Variant Classification Criteria 13 December 2019. Collection method: clinical testing. Allele origin: germline.

Illumina Laboratory Services, Illumina
Classification: Uncertain significance for Autosomal recessive limb-girdle muscular dystrophy type 2J. Last evaluated: 2018-01-13. Review status: criteria provided, single submitter. Criteria: ICSL Variant Classification Criteria 13 December 2019. Collection method: clinical testing. Allele origin: germline.

Illumina Laboratory Services, Illumina
Classification: Uncertain significance for Early-onset myopathy with fatal cardiomyopathy. Last evaluated: 2018-01-13. Review status: criteria provided, single submitter. Criteria: ICSL Variant Classification Criteria 13 December 2019. Collection method: clinical testing. Allele origin: germline.

Eurofins Ntd Llc (ga)
Classification: Uncertain significance. Last evaluated: 2015-08-18. Review status: criteria provided, single submitter. Criteria: EGL Classification Definitions 2015. Collection method: clinical testing. Allele origin: germline. Observed: 2 variant alleles, 2 heterozygotes.

PreventionGenetics, part of Exact Sciences
Classification: Likely benign for TTN-related condition. Last evaluated: 2022-07-25. Review status: no assertion criteria provided. Collection method: clinical testing. Allele origin: germline. Not counted in ClinVar's aggregate classification.
Comment: This variant is classified as likely benign based on ACMG/AMP sequence variant interpretation guidelines (Richards et al. 2015 PMID: 25741868, with internal and published modifications).

Genome Diagnostics Laboratory, University Medical Center Utrecht
Classification: Likely benign. Review status: no assertion criteria provided. Collection method: clinical testing. Allele origin: germline. Affected: yes. Study: VKGL Data-share Consensus. Not counted in ClinVar's aggregate classification.

Joint Genome Diagnostic Labs from Nijmegen and Maastricht, Radboudumc and MUMC+
Classification: Likely benign. Review status: no assertion criteria provided. Collection method: clinical testing. Allele origin: germline. Affected: yes. Study: VKGL Data-share Consensus. Not counted in ClinVar's aggregate classification.

Literature cited by the submitters: PubMed 26516846 (cited by Women's Health and Genetics/Laboratory Corporation of America, LabCorp).

NM_001267550.2(TTN):c.57646A>G (p.Ile19216Val)

Genes: TTN (titin; minus strand), TTN-AS1 (TTN antisense RNA 1; plus strand). Cytogenetic location: 2q31.2.
Variant type: single nucleotide variant.
Coding change: c.57646A>G on transcript NM_001267550.2 (MANE Select); coding-DNA position 57646, A replaced by G.
Protein change: p.Ile19216Val; replaces isoleucine 19216 with valine.
Molecular consequence: missense variant.
Genome position (GRCh38, 1-based): chr2:178,595,708, T>C on the plus strand (A>G on the coding strand, the complement: TTN is on the minus strand). VCF-style: chr2-178595708-T-C. GRCh37 (hg19) VCF-style: chr2-179460435-T-C.
Other names: p.I17575V:ATC>GTC; c.52723A>G, p.Ile17575Val (NM_001256850.1); c.30451A>G, p.Ile10151Val (NM_003319.4); c.49942A>G, p.Ile16648Val (NM_133378.4); c.30826A>G, p.Ile10276Val (NM_133432.3); c.31027A>G, p.Ile10343Val (NM_133437.4); short protein forms I17575V, I19216V, I16648V, I10151V, I10276V, I10343V.
Identifiers: ClinVar variation 202730 (VCV000202730.65), dbSNP rs374058726, ClinGen allele CA310110.